The following is an entry in ClinVar:

NM_006031.6(PCNT):c.4138G>A (p.Ala1380Thr)

Gene: PCNT (pericentrin; plus strand). Cytogenetic location: 21q22.3.
Variant type: single nucleotide variant.
Coding change: c.4138G>A on transcript NM_006031.6 (MANE Select); coding-DNA position 4138, G replaced by A.
Protein change: p.Ala1380Thr; replaces alanine 1380 with threonine.
Molecular consequence: missense variant.
Genome position (GRCh38, 1-based): chr21:46,391,298, G>A. VCF-style: chr21-46391298-G-A. GRCh37 (hg19) VCF-style: chr21-47811213-G-A.
Other names: c.3784G>A, p.Ala1262Thr (NM_001315529.2); short protein forms A1262T, A1380T.
Identifiers: ClinVar variation 2632056 (VCV002632056.2), dbSNP rs1473477517, ClinGen allele CA410577103.

ClinVar aggregate classification (germline): Uncertain significance (1 of 4 stars; one submission).

Conditions:
PCNT-related disorder. Also called: PCNT-related condition.

Allele frequency attached by ClinVar (database versions not stated): gnomAD exomes below 0.00001; TOPMed below 0.00001.
gnomAD v4.1: 5 of 1,575,112 alleles (0.00032%); highest among the groups gnomAD compares: African/African-American, 0.0013%; no homozygotes.

Submission:

PreventionGenetics, part of Exact Sciences
Classification: Uncertain significance for PCNT-related condition. Last evaluated: 2025-05-06. Review status: criteria provided, single submitter. Criteria: ACMG Guidelines, 2015. Collection method: clinical testing. Allele origin: germline.
Comment: The PCNT c.4138G>A variant is predicted to result in the amino acid substitution p.Ala1380Thr. To our knowledge, this variant has not been reported in the literature. This variant is reported in 0.0037% of alleles in individuals of Latino descent in gnomAD. At this time, the clinical significance of this variant is uncertain due to the absence of conclusive functional and genetic evidence.